The following is an entry in ClinVar:

NM_006736.6(DNAJB2):c.389G>A (p.Gly130Asp)

Gene: DNAJB2 (DnaJ heat shock protein family (Hsp40) member B2; plus strand). Cytogenetic location: 2q35.
Variant type: single nucleotide variant.
Coding change: c.389G>A on transcript NM_006736.6 (MANE Select); coding-DNA position 389, G replaced by A.
Protein change: p.Gly130Asp; replaces glycine 130 with aspartic acid.
Molecular consequence: missense variant.
Genome position (GRCh38, 1-based): chr2:219,282,873, G>A. VCF-style: chr2-219282873-G-A. GRCh37 (hg19) VCF-style: chr2-220147595-G-A.
Other names: c.389G>A, p.Gly130Asp (NM_001039550.2); short protein forms G130D.
Identifiers: ClinVar variation 1967163 (VCV001967163.5), dbSNP rs747909517, ClinGen allele CA350649649.

ClinVar aggregate classification (germline): Uncertain significance (1 of 4 stars; one submission).

Conditions:
Neuronopathy, distal hereditary motor, autosomal recessive 5. Also called: NEUROPATHY, DISTAL HEREDITARY MOTOR, AUTOSOMAL RECESSIVE 5; Spinal muscular atrophy, distal, autosomal recessive, 5; Young adult-onset distal hereditary motor neuropathy. Identifiers: Orphanet 314485, Orphanet 443950, MedGen C4749918, MONDO:0013947, OMIM 614881.

gnomAD v4.1: 1 of 1,606,784 alleles (0.000062%); highest among the groups gnomAD compares: East Asian, 0.0022%; no homozygotes.

Submission:

Labcorp Genetics (formerly Invitae), Labcorp
Classification: Uncertain significance for Neuronopathy, distal hereditary motor, autosomal recessive 5. Last evaluated: 2022-05-17. Review status: criteria provided, single submitter. Criteria: Invitae Variant Classification Sherloc (09022015). Collection method: clinical testing. Allele origin: germline.
Comment: This sequence change replaces glycine, which is neutral and non-polar, with aspartic acid, which is acidic and polar, at codon 130 of the DNAJB2 protein (p.Gly130Asp). This variant is not present in population databases (gnomAD no frequency). This variant has not been reported in the literature in individuals affected with DNAJB2-related conditions. Algorithms developed to predict the effect of missense changes on protein structure and function are either unavailable or do not agree on the potential impact of this missense change (SIFT: "Deleterious"; PolyPhen-2: "Benign"; Align-GVGD: "Class C0"). In summary, the available evidence is currently insufficient to determine the role of this variant in disease. Therefore, it has been classified as a Variant of Uncertain Significance.